The following is an entry in ClinVar:

NM_000275.3(OCA2):c.573+6T>C

Gene: OCA2 (OCA2 melanosomal transmembrane protein; minus strand). Cytogenetic location: 15q13.1.
Variant type: single nucleotide variant.
Coding change: c.573+6T>C on transcript NM_000275.3 (MANE Select); 6 bases into the intron after coding-DNA position 573, T replaced by C.
Molecular consequence: intron variant.
Genome position (GRCh38, 1-based): chr15:28,024,839, A>G on the plus strand (T>C on the coding strand, the complement: OCA2 is on the minus strand). VCF-style: chr15-28024839-A-G. GRCh37 (hg19) VCF-style: chr15-28269985-A-G.
Other names: c.573+6T>C (NM_001300984.2, NM_000275.2).
Identifiers: ClinVar variation 872636 (VCV000872636.42), dbSNP rs2042700750, ClinGen allele CA1139663794.

ClinVar aggregate classification (germline): Uncertain significance. Review status: criteria provided, single submitter (1 of 4 stars). 2 submissions from 2 submitters: Uncertain significance (1). 1 of the submissions does not count toward it. Last evaluated 2019-10-01.

Conditions:
OCA2-related disorder. Also called: OCA2-related condition.

Submissions (2):

CeGaT Center for Human Genetics Tuebingen
Classification: Uncertain significance. Last evaluated: 2019-10-01. Review status: criteria provided, single submitter. Criteria: CeGaT Center For Human Genetics Tuebingen Variant Classification Criteria Version 2. Collection method: clinical testing. Allele origin: germline. Affected: yes. Observed: 1 variant allele.

PreventionGenetics, part of Exact Sciences
Classification: Uncertain significance for OCA2-related condition. Last evaluated: 2023-10-18. Review status: no assertion criteria provided. Collection method: clinical testing. Allele origin: germline. Not counted in ClinVar's aggregate classification.
Comment: The OCA2 c.573+6T>C variant is predicted to interfere with splicing. This variant is predicted to decrease the strength of the donor splice site (SpliceAI, Jaganathan K, et al. 2019. PubMed ID: 30661751). To our knowledge, this variant has not been reported in the literature or in a large population database, indicating this variant is rare. At this time, the clinical significance of this variant is uncertain due to the absence of conclusive functional and genetic evidence.